The following is an entry in ClinVar:

NM_005585.5(SMAD6):c.487T>G (p.Ser163Ala)

Gene: SMAD6 (SMAD family member 6; plus strand). Cytogenetic location: 15q22.31.
Variant type: single nucleotide variant.
Coding change: c.487T>G on transcript NM_005585.5 (MANE Select); coding-DNA position 487, T replaced by G.
Protein change: p.Ser163Ala; replaces serine 163 with alanine.
Molecular consequence: missense variant. On other transcripts: non-coding transcript variant (1).
Genome position (GRCh38, 1-based): chr15:66,703,745, T>G. VCF-style: chr15-66703745-T-G. GRCh37 (hg19) VCF-style: chr15-66996083-T-G.
Other names: short protein forms S163A.
Identifiers: ClinVar variation 3224795 (VCV003224795.1), dbSNP rs909234168, ClinGen allele CA271683035.

ClinVar aggregate classification (germline): Uncertain significance (1 of 4 stars; one submission).

Conditions:
Inborn genetic diseases. Identifiers: MedGen C0950123, MeSH D030342.

gnomAD v4.1: 8 of 1,383,440 alleles (0.00058%); highest among the groups gnomAD compares: Non-Finnish European, 0.00076%; no homozygotes.

Submission:

Ambry Genetics
Classification: Uncertain significance for Inborn genetic diseases. Last evaluated: 2023-10-27. Review status: criteria provided, single submitter. Criteria: Ambry Variant Classification Scheme 2023. Collection method: clinical testing. Allele origin: germline.
Comment: The p.S163A variant (also known as c.487T>G), located in coding exon 1 of the SMAD6 gene, results from a T to G substitution at nucleotide position 487. The serine at codon 163 is replaced by alanine, an amino acid with similar properties. This amino acid position is conserved. In addition, this alteration is predicted to be tolerated by in silico analysis. Since supporting evidence is limited at this time, the clinical significance of this alteration remains unclear.